The following is an entry in ClinVar:

ClinVar aggregate classification (germline): Likely pathogenic. Review status: criteria provided, multiple submitters, no conflicts (2 of 4 stars). 2 submissions from 2 submitters: Likely pathogenic (2). Last evaluated 2022-04-19.

Conditions:
Cardiovascular phenotype. Identifiers: MedGen CN230736.
Dilated cardiomyopathy 1G (CMD1G). Identifiers: Orphanet 154, MedGen C1858763, MONDO:0011400, OMIM 604145.
Autosomal recessive limb-girdle muscular dystrophy type 2J (LGMDR10). Also called: Limb-girdle muscular dystrophy, type 2J; MUSCULAR DYSTROPHY, LIMB-GIRDLE, AUTOSOMAL RECESSIVE 10. Identifiers: Orphanet 140922, MedGen C1837342, MONDO:0012127, OMIM 608807.

Submissions (2):

Labcorp Genetics (formerly Invitae), Labcorp
Classification: Likely pathogenic for Dilated cardiomyopathy 1G; Autosomal recessive limb-girdle muscular dystrophy type 2J. Last evaluated: 2022-04-19. Review status: criteria provided, single submitter. Criteria: Invitae Variant Classification Sherloc (09022015). Collection method: clinical testing. Allele origin: germline.
Comment: This sequence change creates a premature translational stop signal (p.Ile29741Asnfs*15) in the TTN gene. While this is not anticipated to result in nonsense mediated decay, it is expected to create a truncated TTN protein. In summary, the currently available evidence indicates that the variant is pathogenic, but additional data are needed to prove that conclusively. Therefore, this variant has been classified as Likely Pathogenic. This variant is located in the A band of TTN (PMID: 25589632). Truncating variants in this region are significantly overrepresented in patients affected with dilated cardiomyopathy (PMID: 25589632). Truncating variants in this region have also been reported in individuals affected with autosomal recessive centronuclear myopathy (PMID: 23975875). ClinVar contains an entry for this variant (Variation ID: 657942). This variant has not been reported in the literature in individuals affected with TTN-related conditions. This variant is not present in population databases (gnomAD no frequency).

Ambry Genetics
Classification: Likely pathogenic for Cardiovascular phenotype. Last evaluated: 2019-08-19. Review status: criteria provided, single submitter. Criteria: Ambry Variant Classification Scheme 2023. Collection method: clinical testing. Allele origin: germline.
Comment: The c.62027_62031delTAAGA variant, located in coding exon 161 of the TTN gene, results from a deletion of 5 nucleotides at nucleotide positions 62027 to 62031, causing a translational frameshift with a predicted alternate stop codon (p.I20676Nfs*15). This exon is located in the A-band region of the N2-B isoform of the titin protein and is constitutively expressed in TTN transcripts (percent spliced in or PSI 100%). This alteration is expected to result in loss of function by premature protein truncation or nonsense-mediated mRNA decay. While truncating variants in TTN are present in 1-3% of the general population, truncating variants in the A-band are the most common cause of dilated cardiomyopathy (DCM) (Herman DS et al. N. Engl. J. Med., 2012 Feb;366:619-28; Roberts AM et al. Sci Transl Med, 2015 Jan;7:270ra6). TTN truncating variants encoded in constitutive exons (PSI >90%) have been found to be significantly associated with DCM regardless of their position in titin (Schafer S et al. Nat. Genet., 2017 01;49:46-53). As such, this alteration is classified as likely pathogenic.

Literature cited by the submitters: PubMed 25589632 (cited by Labcorp Genetics (formerly Invitae), Labcorp); PubMed 23975875 (cited by Labcorp Genetics (formerly Invitae), Labcorp).

NM_001267550.2(TTN):c.89222_89226del (p.Ile29741fs)

Genes: TTN (titin; minus strand), TTN-AS1 (TTN antisense RNA 1; plus strand). Cytogenetic location: 2q31.2.
Variant type: Microsatellite.
Coding change: c.89222_89226del on transcript NM_001267550.2 (MANE Select); coding-DNA positions 89222 to 89226, 5 bases deleted (TAAGA; older notation c.89222_89226delTAAGA).
Protein change: p.Ile29741fs; shifts the reading frame from isoleucine 29741.
Molecular consequence: frameshift variant.
Genome position (GRCh38, 1-based): chr2:178,553,779-178,553,783, TCTTA deleted on the plus strand (TAAGA on the coding strand, the reverse complement: TTN is on the minus strand); deleting any 5 consecutive bases within chr2:178,553,779-178,553,788 gives the same sequence; the c. name uses the placement nearest the transcript's 3' end. VCF-style (leftmost placement, unchanged base first): chr2-178553778-TTCTTA-T. GRCh37 (hg19) VCF-style: chr2-179418505-TTCTTA-T.
Other names: c.62027_62031delTAAGA (NM_003319.4); c.89222_89226delTAAGA (NM_001267550.2); c.84299_84303del, p.Ile28100fs (NM_001256850.1); c.62027_62031del, p.Ile20676fs (NM_003319.4); c.81518_81522del, p.Ile27173fs (NM_133378.4); c.62402_62406del, p.Ile20801fs (NM_133432.3); c.62603_62607del, p.Ile20868fs (NM_133437.4); short protein forms I28100fs, I29741fs, I20868fs, I20676fs, I20801fs, I27173fs.
Identifiers: ClinVar variation 657942 (VCV000657942.13), dbSNP rs1575534947, ClinGen allele CA915942182.